The following is an entry in ClinVar:

NM_015137.6(EFR3A):c.591T>G (p.Ile197Met)

Gene: EFR3A (EFR3 homolog A; plus strand). Cytogenetic location: 8q24.22.
Variant type: single nucleotide variant.
Coding change: c.591T>G on transcript NM_015137.6 (MANE Select); coding-DNA position 591, T replaced by G.
Protein change: p.Ile197Met; replaces isoleucine 197 with methionine.
Molecular consequence: missense variant. On other transcripts: non-coding transcript variant (2).
Genome position (GRCh38, 1-based): chr8:131,953,920, T>G. VCF-style: chr8-131953920-T-G. GRCh37 (hg19) VCF-style: chr8-132966167-T-G.
Other names: c.483T>G, p.Ile161Met (NM_001323553.2, NM_001323554.2, NM_001323555.2 and 2 more transcripts); c.591T>G, p.Ile197Met (NM_001323558.2); short protein forms I161M, I197M.
Identifiers: ClinVar variation 3034454 (VCV003034454.2), dbSNP rs149106647, ClinGen allele CA4878805.
Genomic context (GRCh38, chr8:131,953,920, plus strand): 5'-CAAAACAGTCAACGATGAACTTCGGGCCACCATTTGGGAACCTCAGCATATGGATAAGAT[T>G]GTTCCATCCCTCCTGTTTAACATGCAAAAGATAGAAGAAGTTGACAGGTATTTAAAAAAA-3'
Protein context (NP_055952.2, residues 187-207): TIWEPQHMDK[Ile197Met]VPSLLFNMQK

ClinVar aggregate classification (germline): Benign (0 of 4 stars; one submission).

Conditions:
EFR3A-related disorder. Also called: EFR3A-related condition.

Allele frequency attached by ClinVar (database versions not stated): ESP Exome Variant Server 0.00092; 1000 Genomes Project 0.00100; gnomAD 0.00105; gnomAD exomes 0.00111; 1000 Genomes Project 30x 0.00125; TOPMed 0.00131; ExAC 0.00315.
gnomAD v4.1: 1,830 of 1,572,242 alleles (0.12%); highest among the groups gnomAD compares: Middle Eastern, 2.7%; 9 homozygotes.

Submission:

PreventionGenetics, part of Exact Sciences
Classification: Benign for EFR3A-related condition. Last evaluated: 2019-07-02. Review status: no assertion criteria provided. Collection method: clinical testing. Allele origin: germline.
Comment: This variant is classified as benign based on ACMG/AMP sequence variant interpretation guidelines (Richards et al. 2015 PMID: 25741868, with internal and published modifications).